The following is an entry in ClinVar:

ClinVar aggregate classification (germline): Pathogenic (1 of 4 stars; one submission).

Submission:

Labcorp Genetics (formerly Invitae), Labcorp
Classification: Pathogenic. Last evaluated: 2019-12-30. Review status: criteria provided, single submitter. Criteria: Invitae Variant Classification Sherloc (09022015). Collection method: clinical testing. Allele origin: germline.
Comment: This variant is not present in population databases (ExAC no frequency). This variant has not been reported in the literature in individuals with CDH23-related conditions. Loss-of-function variants in CDH23 are known to be pathogenic (PMID: 11138009, 21940737). For these reasons, this variant has been classified as Pathogenic. This sequence change creates a premature translational stop signal (p.Phe2116Serfs*27) in the CDH23 gene. It is expected to result in an absent or disrupted protein product.

Literature cited by the submitters: PubMed 11138009; PubMed 21940737.

NM_022124.6(CDH23):c.6345del (p.Phe2116fs)

Gene: CDH23 (cadherin related 23; plus strand). Cytogenetic location: 10q22.1.
Variant type: Deletion.
Coding change: c.6345del on transcript NM_022124.6 (MANE Select); coding-DNA position 6345, one base deleted (C; older notation c.6345delC).
Protein change: p.Phe2116fs; shifts the reading frame from phenylalanine 2116.
Molecular consequence: frameshift variant.
Genome position (GRCh38, 1-based): chr10:71,793,273, C deleted. VCF-style (leftmost placement, unchanged base first): chr10-71793272-GC-G. GRCh37 (hg19) VCF-style: chr10-73553029-GC-G.
Other names: short protein forms F2116fs.
Identifiers: ClinVar variation 854281 (VCV000854281.8), dbSNP rs1841311708, ClinGen allele CA916083138.